The following is an entry in ClinVar:

ClinVar aggregate classification (germline): Uncertain significance (1 of 4 stars; one submission).

Allele frequency attached by ClinVar (database versions not stated): gnomAD exomes below 0.00001 and 0.00002; gnomAD 0.00001; TOPMed 0.00001; ExAC 0.00002; ESP Exome Variant Server 0.00008.
gnomAD v4.1: 4 of 1,614,046 alleles (0.00025%); highest among the groups gnomAD compares: African/African-American, 0.0013%; no homozygotes.

Submission:

GeneDx
Classification: Uncertain significance. Last evaluated: 2019-09-12. Review status: criteria provided, single submitter. Criteria: GeneDx Variant Classification Process June 2021. Collection method: clinical testing. Allele origin: germline. Affected: yes.
Comment: In silico analysis, which includes protein predictors and evolutionary conservation, supports a deleterious effect; Has not been previously published as pathogenic or benign to our knowledge

NM_000297.4(PKD2):c.2714T>C (p.Met905Thr)

Gene: PKD2 (polycystin 2, transient receptor potential cation channel; plus strand). Cytogenetic location: 4q22.1.
Variant type: single nucleotide variant.
Coding change: c.2714T>C on transcript NM_000297.4 (MANE Select); coding-DNA position 2714, T replaced by C.
Protein change: p.Met905Thr; replaces methionine 905 with threonine.
Molecular consequence: missense variant. On other transcripts: non-coding transcript variant (1).
Genome position (GRCh38, 1-based): chr4:88,075,501, T>C. VCF-style: chr4-88075501-T-C. GRCh37 (hg19) VCF-style: chr4-88996653-T-C.
Other names: short protein forms M905T.
Identifiers: ClinVar variation 1312168 (VCV001312168.2), dbSNP rs373039260, ClinGen allele CA3004339.
Genomic context (GRCh38, chr4:88,075,501, plus strand): 5'-TCTTTTTCCCTTTTTAGGATGAAAGGCTGGGTCGTGACAGTGAAATCCATAGGGAACAGA[T>C]GGAACGGCTAGTACGTGAAGAGTTGGAACGCTGGGAATCCGATGATGCAGCTTCCCAGAT-3'
Protein context (NP_000288.1, residues 895-915): GRDSEIHREQ[Met905Thr]ERLVREELER